The following is an entry in ClinVar:

ClinVar aggregate classification (germline): Likely pathogenic (1 of 4 stars; one submission).

Conditions:
Dilated cardiomyopathy 1G (CMD1G). Identifiers: Orphanet 154, MedGen C1858763, MONDO:0011400, OMIM 604145.
Autosomal recessive limb-girdle muscular dystrophy type 2J (LGMDR10). Also called: Limb-girdle muscular dystrophy, type 2J; MUSCULAR DYSTROPHY, LIMB-GIRDLE, AUTOSOMAL RECESSIVE 10. Identifiers: Orphanet 140922, MedGen C1837342, MONDO:0012127, OMIM 608807.

Submission:

Labcorp Genetics (formerly Invitae), Labcorp
Classification: Likely pathogenic for Dilated cardiomyopathy 1G; Autosomal recessive limb-girdle muscular dystrophy type 2J. Last evaluated: 2024-05-17. Review status: criteria provided, single submitter. Criteria: Invitae Variant Classification Sherloc (09022015). Collection method: clinical testing. Allele origin: germline.
Comment: While this is not anticipated to result in nonsense mediated decay, it is expected to create a truncated TTN protein. While this is not anticipated to result in nonsense mediated decay, it is expected to disrupt the last 12922 amino acid(s) of the TTN protein. This variant is not present in population databases (gnomAD no frequency). This variant has not been reported in the literature in individuals affected with TTN-related conditions. This variant is located in the A band of TTN (PMID: 25589632). Truncating variants in this region are significantly overrepresented in patients affected with dilated cardiomyopathy (PMID: 25589632). Truncating variants in this region have also been reported in individuals affected with autosomal recessive centronuclear myopathy (PMID: 23975875). In summary, the currently available evidence indicates that the variant is pathogenic, but additional data are needed to prove that conclusively. Therefore, this variant has been classified as Likely Pathogenic.

Literature cited by the submitters: PubMed 25589632; PubMed 23975875.

NM_001267550.2(TTN):c.69209C>A (p.Ser23070Ter)

Genes: TTN (titin; minus strand), TTN-AS1 (TTN antisense RNA 1; plus strand). Cytogenetic location: 2q31.2.
Variant type: single nucleotide variant.
Coding change: c.69209C>A on transcript NM_001267550.2 (MANE Select); coding-DNA position 69209, C replaced by A.
Protein change: p.Ser23070Ter; replaces serine 23070 with a stop codon.
Molecular consequence: nonsense.
Genome position (GRCh38, 1-based): chr2:178,577,126, G>T on the plus strand (C>A on the coding strand, the complement: TTN is on the minus strand). VCF-style: chr2-178577126-G-T. GRCh37 (hg19) VCF-style: chr2-179441853-G-T.
Other names: c.64286C>A, p.Ser21429Ter (NM_001256850.1); c.42014C>A, p.Ser14005Ter (NM_003319.4); c.61505C>A, p.Ser20502Ter (NM_133378.4); c.42389C>A, p.Ser14130Ter (NM_133432.3); c.42590C>A, p.Ser14197Ter (NM_133437.4); short protein forms S14005*, S14130*, S14197*, S20502*, S21429*, S23070*.
Identifiers: ClinVar variation 3756397 (VCV003756397.2).
Genomic context (GRCh38, chr2:178,577,126, plus strand): 5'-ACCACTGTCCACAAAAGTCGGCTGGTTTCTCTCTTTTCAAGTATATAGGACTTAATTGGT[G>T]AGCCGCCATCTTCCAAGGGAGGTGTCCATGTAAGTGTTGCTTTTTCAGCAGAAACATTAC-3'